The following is an entry in ClinVar:

ClinVar aggregate classification (germline): Pathogenic. Review status: reviewed by expert panel (3 of 4 stars). 4 submissions from 4 submitters: Pathogenic (1). 3 of the submissions do not count toward it. Last evaluated 2016-10-18.

Conditions:
Breast-ovarian cancer, familial, susceptibility to, 2 (BROVCA2). Also called: BRCA2 Hereditary Breast and Ovarian Cancer. Identifiers: Orphanet 145, MedGen C2675520, MONDO:0012933, OMIM 612555. Disease mechanism: loss of function.
Hereditary breast ovarian cancer syndrome. Also called: BRCA1- and BRCA2-Associated Hereditary Breast and Ovarian Cancer; Hereditary breast and ovarian cancer; Breast and ovarian cancer; Hereditary breast and/or ovarian cancer syndrome; Hereditary breast and ovarian cancer syndrome; Hereditary breast and ovarian cancer syndrome (HBOC). Identifiers: Orphanet 145, MedGen C0677776, MeSH D061325, MONDO:0003582. Disease mechanism: loss of function.

Submissions (4):

Evidence-based Network for the Interpretation of Germline Mutant Alleles (ENIGMA)
Classification: Pathogenic for Breast-ovarian cancer, familial, susceptibility to, 2. Last evaluated: 2016-10-18. Review status: reviewed by expert panel. Criteria: ENIGMA BRCA1/2 Classification Criteria (2015). Collection method: curation. Allele origin: germline.
Comment: Variant allele predicted to encode a truncated non-functional protein.

Women's Health and Genetics/Laboratory Corporation of America, LabCorp
Classification: Pathogenic for Hereditary breast and ovarian cancer syndrome. Last evaluated: 2020-10-08. Review status: criteria provided, single submitter. Criteria: LabCorp Variant Classification Summary - May 2015. Collection method: clinical testing. Allele origin: germline. Not counted in ClinVar's aggregate classification.
Comment: Variant summary: BRCA2 c.7708A>T (p.Lys2570X) results in a premature termination codon, predicted to cause a truncation of the encoded protein or absence of the protein due to nonsense mediated decay, which are commonly known mechanisms for disease. Truncations downstream of this position have been classified as pathogenic by our laboratory. The variant was absent in 251340 control chromosomes. c.7708A>T has been reported in the literature in individuals affected with Hereditary Breast And Ovarian Cancer Syndrome (e.g. Rebbeck_2018). To our knowledge, no experimental evidence demonstrating an impact on protein function has been reported. Two ClinVar submitters (both expert panels) have cited the variant as pathogenic (evaluation after 2014). Based on the evidence outlined above, the variant was classified as pathogenic.

Labcorp Genetics (formerly Invitae), Labcorp
Classification: Pathogenic for Hereditary breast ovarian cancer syndrome. Last evaluated: 2020-05-11. Review status: criteria provided, single submitter. Criteria: Invitae Variant Classification Sherloc (09022015). Collection method: clinical testing. Allele origin: germline. Not counted in ClinVar's aggregate classification.
Comment: For these reasons, this variant has been classified as Pathogenic. Loss-of-function variants in BRCA2 are known to be pathogenic (PMID: 20104584). This variant has been observed in individual(s) at risk for hereditary breast and/or ovarian cancer (PMID: 29446198). ClinVar contains an entry for this variant (Variation ID: 267032). This variant is not present in population databases (ExAC no frequency). This sequence change creates a premature translational stop signal (p.Lys2570*) in the BRCA2 gene. It is expected to result in an absent or disrupted protein product.

Consortium of Investigators of Modifiers of BRCA1/2 (CIMBA), c/o University of Cambridge
Classification: Pathogenic for Breast-ovarian cancer, familial, susceptibility to, 2. Last evaluated: 2015-10-02. Review status: criteria provided, single submitter. Criteria: CIMBA Mutation Classification guidelines May 2016. Collection method: clinical testing. Allele origin: germline. Not counted in ClinVar's aggregate classification.

Literature cited by the submitters: PubMed 29446198 (cited by Women's Health and Genetics/Laboratory Corporation of America, LabCorp and Labcorp Genetics (formerly Invitae), Labcorp); PubMed 20104584 (cited by Labcorp Genetics (formerly Invitae), Labcorp).

NM_000059.4(BRCA2):c.7708A>T (p.Lys2570Ter)

Gene: BRCA2 (BRCA2 DNA repair associated; plus strand). Cytogenetic location: 13q13.1.
Variant type: single nucleotide variant.
Coding change: c.7708A>T on transcript NM_000059.4 (MANE Select); coding-DNA position 7708, A replaced by T.
Protein change: p.Lys2570Ter; replaces lysine 2570 with a stop codon.
Molecular consequence: nonsense.
Genome position (GRCh38, 1-based): chr13:32,357,832, A>T. VCF-style: chr13-32357832-A-T. GRCh37 (hg19) VCF-style: chr13-32931969-A-T.
Other names: 7936A>T (K2570X); short protein forms K2570*.
Identifiers: ClinVar variation 267032 (VCV000267032.13), dbSNP rs876659346, ClinGen allele CA10589447.